The following is an entry in ClinVar:

ClinVar aggregate classification (germline): Conflicting classifications of pathogenicity. Review status: criteria provided, conflicting classifications (1 of 4 stars). 3 submissions from 3 submitters: Uncertain significance (1); Likely benign (2). Last evaluated 2024-03-01.

Conditions:
Familial thoracic aortic aneurysm and aortic dissection (TAAD). Also called: Thoracic aortic aneurysms and dissections. Identifiers: Orphanet 91387, MedGen C4707243, MONDO:0019625.
Aortic aneurysm, familial thoracic 4 (AAT4). Also called: AORTIC ANEURYSM/AORTIC DISSECTION AND PATENT DUCTUS ARTERIOSUS. Identifiers: MedGen C1851504, MONDO:0007568, OMIM 132900.

Submissions (3):

CeGaT Center for Human Genetics Tuebingen
Classification: Uncertain significance. Last evaluated: 2024-03-01. Review status: criteria provided, single submitter. Criteria: CeGaT Center For Human Genetics Tuebingen Variant Classification Criteria Version 2. Collection method: clinical testing. Allele origin: germline. Affected: yes. Observed: 1 variant allele.
Comment: MYH11: PM2, BP4

Color Diagnostics, LLC DBA Color Health
Classification: Likely benign for Familial thoracic aortic aneurysm and aortic dissection. Last evaluated: 2024-02-22. Review status: criteria provided, single submitter. Criteria: ACMG Guidelines, 2015. Collection method: clinical testing. Allele origin: germline.

Labcorp Genetics (formerly Invitae), Labcorp
Classification: Likely benign for Aortic aneurysm, familial thoracic 4. Last evaluated: 2022-12-02. Review status: criteria provided, single submitter. Criteria: Invitae Variant Classification Sherloc (09022015). Collection method: clinical testing. Allele origin: germline.

NM_002474.3(MYH11):c.1249-8CT[3]

Gene: MYH11 (myosin heavy chain 11; minus strand). Cytogenetic location: 16p13.11.
Variant type: Microsatellite.
Coding change: c.1249-8CT[3] on transcript NM_002474.3 (MANE Select); three copies in a row of the 2-base unit CT starting at c.1249-8; the reference has two copies in a row; one copy, 2 bases duplicated.
Molecular consequence: intron variant.
Genome position (GRCh38, 1-based): chr16:15,759,733-15,759,734, AG duplicated on the plus strand (CT on the coding strand, the reverse complement: MYH11 is on the minus strand); duplicating any 2 consecutive bases within chr16:15,759,733-15,759,736 gives the same sequence; the position shown is the placement nearest the transcript's 3' end. VCF-style (leftmost placement, unchanged base first): chr16-15759732-C-CAG. GRCh37 (hg19) VCF-style: chr16-15853589-C-CAG.
Other names: c.1249-8CT[3] (NM_022844.3); c.1270-8CT[3] (NM_001040114.2, NM_001040113.2); c.1270-6_1270-5dup (NM_001040113.2).
Identifiers: ClinVar variation 238255 (VCV000238255.31), dbSNP rs770987711, ClinGen allele CA7922652.